The following is an entry in ClinVar:

ClinVar aggregate classification (germline): Uncertain significance (1 of 4 stars; one submission).

Conditions:
Inborn genetic diseases. Identifiers: MedGen C0950123, MeSH D030342.

Submission:

Ambry Genetics
Classification: Uncertain significance for Inborn genetic diseases. Last evaluated: 2025-03-02. Review status: criteria provided, single submitter. Criteria: Ambry Variant Classification Scheme 2023. Collection method: clinical testing. Allele origin: germline.
Comment: The p.T172P variant (also known as c.514A>C), located in coding exon 1 of the SH2B3 gene, results from an A to C substitution at nucleotide position 514. The threonine at codon 172 is replaced by proline, an amino acid with highly similar properties. This amino acid position is conserved. In addition, this alteration is predicted to be tolerated by in silico analysis. Based on the available evidence, the clinical significance of this variant remains unclear.

NM_005475.3(SH2B3):c.514A>C (p.Thr172Pro)

Gene: SH2B3 (SH2B adaptor protein 3; plus strand). Cytogenetic location: 12q24.12.
Variant type: single nucleotide variant.
Coding change: c.514A>C on transcript NM_005475.3 (MANE Select); coding-DNA position 514, A replaced by C.
Protein change: p.Thr172Pro; replaces threonine 172 with proline.
Molecular consequence: missense variant.
Genome position (GRCh38, 1-based): chr12:111,418,659, A>C. VCF-style: chr12-111418659-A-C. GRCh37 (hg19) VCF-style: chr12-111856463-A-C.
Other names: short protein forms T172P.
Identifiers: ClinVar variation 3795230 (VCV003795230.1).
Genomic context (GRCh38, chr12:111,418,659, plus strand): 5'-GGGGAGCTGCCAGCGGCCCACACCGCTGCCGCCCCCGGGACCCCCGGAGAGGCTGCTGAG[A>C]CCCCCGCCCGGCCTGGCCTGGCCAAGAAGTTCCTGCCCTGGAGCCTGGCCCGGGAGCCGC-3'
Protein context (NP_005466.1, residues 162-182): APGTPGEAAE[Thr172Pro]PARPGLAKKF